The following is an entry in ClinVar:

ClinVar aggregate classification (germline): Uncertain significance. Review status: criteria provided, multiple submitters, no conflicts (2 of 4 stars). 2 submissions from 2 submitters: Uncertain significance (2). Last evaluated 2025-03-28.

Conditions:
Inborn genetic diseases. Identifiers: MedGen C0950123, MeSH D030342.

gnomAD v4.1: 24 of 1,613,622 alleles (0.0015%); highest among the groups gnomAD compares: African/African-American, 0.021%; no homozygotes.

Submissions (2):

Ambry Genetics
Classification: Uncertain significance for Inborn genetic diseases. Last evaluated: 2025-03-28. Review status: criteria provided, single submitter. Criteria: Ambry Variant Classification Scheme 2023. Collection method: clinical testing. Allele origin: germline.

GeneDx
Classification: Uncertain significance. Last evaluated: 2025-03-10. Review status: criteria provided, single submitter. Criteria: GeneDx Variant Classification Process June 2021. Collection method: clinical testing. Allele origin: germline. Affected: yes.
Comment: In silico analysis indicates that this missense variant does not alter protein structure/function; Has not been previously published as pathogenic or benign to our knowledge

NM_004239.4(TRIP11):c.478G>A (p.Asp160Asn)

Gene: TRIP11 (thyroid hormone receptor interactor 11; minus strand). Cytogenetic location: 14q32.12.
Variant type: single nucleotide variant.
Coding change: c.478G>A on transcript NM_004239.4 (MANE Select); coding-DNA position 478, G replaced by A.
Protein change: p.Asp160Asn; replaces aspartic acid 160 with asparagine.
Molecular consequence: missense variant.
Genome position (GRCh38, 1-based): chr14:92,021,666, C>T on the plus strand (G>A on the coding strand, the complement: TRIP11 is on the minus strand). VCF-style: chr14-92021666-C-T. GRCh37 (hg19) VCF-style: chr14-92488010-C-T.
Other names: c.475G>A, p.Asp159Asn (NM_001321851.1); short protein forms D160N, D159N.
Identifiers: ClinVar variation 3973838 (VCV003973838.2).